The following is an entry in ClinVar:

NM_000059.4(BRCA2):c.2651C>T (p.Ser884Leu)

Gene: BRCA2 (BRCA2 DNA repair associated; plus strand). Cytogenetic location: 13q13.1.
Variant type: single nucleotide variant.
Coding change: c.2651C>T on transcript NM_000059.4 (MANE Select); coding-DNA position 2651, C replaced by T.
Protein change: p.Ser884Leu; replaces serine 884 with leucine.
Molecular consequence: missense variant.
Genome position (GRCh38, 1-based): chr13:32,337,006, C>T. VCF-style: chr13-32337006-C-T. GRCh37 (hg19) VCF-style: chr13-32911143-C-T.
Other names: short protein forms S884L.
Identifiers: ClinVar variation 658204 (VCV000658204.14), dbSNP rs777421358, ClinGen allele CA6940620.

ClinVar aggregate classification (germline): Conflicting classifications of pathogenicity. Review status: criteria provided, conflicting classifications (1 of 4 stars). 5 submissions from 5 submitters: Uncertain significance (3); Likely benign (2). Last evaluated 2025-10-19.

Conditions:
Breast-ovarian cancer, familial, susceptibility to, 2 (BROVCA2). Also called: BRCA2 Hereditary Breast and Ovarian Cancer. Identifiers: Orphanet 145, MedGen C2675520, MONDO:0012933, OMIM 612555. Disease mechanism: loss of function.
Hereditary cancer-predisposing syndrome. Also called: Neoplastic Syndromes, Hereditary; Hereditary neoplastic syndrome; Hereditary Cancer Syndrome; Tumor predisposition. Identifiers: Orphanet 140162, MedGen C0027672, MeSH D009386, MONDO:0015356.
BRCA2-related cancer predisposition. Identifiers: MedGen CN377758, MONDO:0700269.
Hereditary breast ovarian cancer syndrome. Also called: Hereditary breast and ovarian cancer; Breast and ovarian cancer; BRCA1- and BRCA2-Associated Hereditary Breast and Ovarian Cancer; Hereditary breast and ovarian cancer syndrome (HBOC); Hereditary breast and/or ovarian cancer syndrome; Hereditary breast and ovarian cancer syndrome. Identifiers: Orphanet 145, MedGen C0677776, MeSH D061325, MONDO:0003582. Disease mechanism: loss of function.

Allele frequency attached by ClinVar (database versions not stated): gnomAD exomes 0.00001 and 0.00003; ExAC 0.00004.
gnomAD v4.1: 12 of 1,588,628 alleles (0.00076%); highest among the groups gnomAD compares: South Asian, 0.014%; no homozygotes.

Submissions (5):

Labcorp Genetics (formerly Invitae), Labcorp
Classification: Uncertain significance for Hereditary breast ovarian cancer syndrome. Last evaluated: 2025-10-19. Review status: criteria provided, single submitter. Criteria: Invitae Variant Classification Sherloc (09022015). Collection method: clinical testing. Allele origin: germline.
Comment: This sequence change replaces serine, which is neutral and polar, with leucine, which is neutral and non-polar, at codon 884 of the BRCA2 protein (p.Ser884Leu). This variant is present in population databases (rs777421358, gnomAD 0.02%). This missense change has been observed in individual(s) with breast cancer (PMID: 25186627). ClinVar contains an entry for this variant (Variation ID: 658204). Invitae Evidence Modeling of protein sequence and biophysical properties (such as structural, functional, and spatial information, amino acid conservation, physicochemical variation, residue mobility, and thermodynamic stability) indicates that this missense variant is not expected to disrupt BRCA2 protein function with a negative predictive value of 95%. In summary, the available evidence is currently insufficient to determine the role of this variant in disease. Therefore, it has been classified as a Variant of Uncertain Significance.

All of Us Research Program, National Institutes of Health
Classification: Uncertain significance for Breast-ovarian cancer, familial, susceptibility to, 2. Last evaluated: 2023-08-15. Review status: criteria provided, single submitter. Criteria: ACMG Guidelines, 2015. Collection method: clinical testing. Allele origin: germline. Inheritance: Autosomal dominant inheritance. Observed: 1 variant allele, 1 heterozygote.
Comment: This missense variant replaces serine with leucine at codon 884 of the BRCA2 protein. Computational prediction suggests that this variant may not impact protein structure and function (internally defined REVEL score threshold <= 0.5, PMID: 27666373). To our knowledge, functional studies have not been reported for this variant. This variant has been reported in two individuals affected with breast or ovarian cancer (PMID: 25186627, 32438681). This variant has been identified in 6/229138 chromosomes in the general population by the Genome Aggregation Database (gnomAD). The available evidence is insufficient to determine the role of this variant in disease conclusively. Therefore, this variant is classified as a Variant of Uncertain Significance.

This study involves interpretation of variants in research participants for the purpose of population health screening. Participant phenotype was not available at the time of variant classification. Additional details can be found in publication PMID: 35346344, PMCID: PMC8962531

University of Washington Department of Laboratory Medicine, University of Washington
Classification: Likely benign for Hereditary cancer-predisposing syndrome. Last evaluated: 2023-03-23. Review status: criteria provided, single submitter. Criteria: Dines et al. (Genet Med. 2020). Collection method: curation. Allele origin: germline.
Comment: Missense variant in a coldspot region where missense variants are very unlikely to be pathogenic (PMID:31911673).

BRCA2 exon 11 coldspot. Reclassification based on statistical prior probability.

Ambry Genetics
Classification: Likely benign for Hereditary cancer-predisposing syndrome. Last evaluated: 2022-04-13. Review status: criteria provided, single submitter. Criteria: Ambry Variant Classification Scheme 2023. Collection method: clinical testing. Allele origin: germline.

Department of Pathology and Laboratory Medicine, Sinai Health System
Classification: Uncertain significance for BRCA2-related cancer predisposition. Last evaluated: 2020-08-31. Review status: criteria provided, single submitter. Criteria: ACMG Guidelines, 2015. Collection method: clinical testing. Allele origin: germline. Affected: yes.

Literature cited by the submitters: PubMed 25186627 (cited by 3 submitters); PubMed 32438681 (cited by All of Us Research Program, National Institutes of Health).